The following is an entry in ClinVar:

ClinVar aggregate classification (germline): Likely pathogenic (1 of 4 stars; one submission).

Conditions:
Intellectual developmental disorder, autosomal dominant 71, with behavioral abnormalities (MRD71). Identifiers: MedGen C5830437, MONDO:0957228, OMIM 620330.

Submission:

Laboratorio de Genetica e Diagnostico Molecular, Hospital Israelita Albert Einstein
Classification: Likely pathogenic for Intellectual developmental disorder, autosomal dominant 71, with behavioral abnormalities. Last evaluated: 2023-08-29. Review status: criteria provided, single submitter. Criteria: ACMG Guidelines, 2015. Collection method: clinical testing. Allele origin: germline. Affected: yes.
Comment: ACMG classification criteria: PVS1 very strong, PM2 moderate

NM_022841.7(RFX7):c.45_55del (p.His16fs)

Gene: RFX7 (regulatory factor X7; minus strand). Cytogenetic location: 15q21.3.
Variant type: Deletion.
Coding change: c.45_55del on transcript NM_022841.7 (MANE Select); coding-DNA positions 45 to 55, 11 bases deleted (CCATCAGCAGC).
Protein change: p.His16fs; shifts the reading frame from histidine 16.
Molecular consequence: frameshift variant. On other transcripts: 5 prime UTR variant (1).
Genome position (GRCh38, 1-based): chr15:56,243,231-56,243,241, GCTGCTGATGG deleted on the plus strand (CCATCAGCAGC on the coding strand, the reverse complement: RFX7 is on the minus strand); deleting any 11 consecutive bases within chr15:56,243,231-56,243,243 gives the same sequence; the c. name uses the placement nearest the transcript's 3' end. VCF-style (leftmost placement, unchanged base first): chr15-56243230-AGCTGCTGATGG-A. GRCh37 (hg19) VCF-style: chr15-56535428-AGCTGCTGATGG-A.
Other names: c.-213_-203del (NM_001368073.2); c.45_55del, p.His16fs (NM_001370561.1); short protein forms H16fs.
Identifiers: ClinVar variation 4076377 (VCV004076377.1).
Genomic context (GRCh38, chr15:56,243,230, plus strand): 5'-CCTGGCAGCCCGGGCACAAGGGCTGGCAGGGCCACCCCCGAGTTGGGGGCGCTGGGGGGA[AGCTGCTGATGG>A]GCATCAGGCTGCTGTGGTGGCGGCTGTTGTTGTTCCTCTGCCATCGCTGCAGAGGGGTGG-3'